The following is an entry in ClinVar:

NM_005633.4(SOS1):c.3256C>G (p.Pro1086Ala)

Gene: SOS1 (SOS Ras/Rac guanine nucleotide exchange factor 1; minus strand). Cytogenetic location: 2p22.1.
Variant type: single nucleotide variant.
Coding change: c.3256C>G on transcript NM_005633.4 (MANE Select); coding-DNA position 3256, C replaced by G.
Protein change: p.Pro1086Ala; replaces proline 1086 with alanine.
Molecular consequence: missense variant.
Genome position (GRCh38, 1-based): chr2:38,995,213, G>C on the plus strand (C>G on the coding strand, the complement: SOS1 is on the minus strand). VCF-style: chr2-38995213-G-C. GRCh37 (hg19) VCF-style: chr2-39222354-G-C.
Other names: c.3235C>G, p.Pro1079Ala (NM_001382394.1); c.3256C>G, p.Pro1086Ala (NM_001382395.1); short protein forms P1086A, P1079A.
Identifiers: ClinVar variation 372624 (VCV000372624.3), dbSNP rs1057517892, ClinGen allele CA16042452.

ClinVar aggregate classification (germline): Uncertain significance. Review status: criteria provided, multiple submitters, no conflicts (2 of 4 stars). 2 submissions from 2 submitters: Uncertain significance (2). Last evaluated 2025-12-02.

Conditions:
RASopathy. Also called: rasopathies; Noonan spectrum disorder. Identifiers: Orphanet 536391, MedGen C5555857, MONDO:0021060.

Submissions (2):

Labcorp Genetics (formerly Invitae), Labcorp
Classification: Uncertain significance for RASopathy. Last evaluated: 2025-12-02. Review status: criteria provided, single submitter. Criteria: Invitae Variant Classification Sherloc (09022015). Collection method: clinical testing. Allele origin: germline.
Comment: This sequence change replaces proline, which is neutral and non-polar, with alanine, which is neutral and non-polar, at codon 1086 of the SOS1 protein (p.Pro1086Ala). This variant is not present in population databases (gnomAD no frequency). This variant has not been reported in the literature in individuals affected with SOS1-related conditions. ClinVar contains an entry for this variant (Variation ID: 372624). Invitae Evidence Modeling of protein sequence and biophysical properties (such as structural, functional, and spatial information, amino acid conservation, physicochemical variation, residue mobility, and thermodynamic stability) indicates that this missense variant is not expected to disrupt SOS1 protein function with a negative predictive value of 95%. In summary, the available evidence is currently insufficient to determine the role of this variant in disease. Therefore, it has been classified as a Variant of Uncertain Significance.

GeneDx
Classification: Uncertain significance. Last evaluated: 2020-10-21. Review status: criteria provided, single submitter. Criteria: GeneDx Variant Classification Process June 2021. Collection method: clinical testing. Allele origin: germline. Affected: yes.
Comment: Not observed in large population cohorts (Lek et al., 2016); Missense variants in this gene are often considered pathogenic (Stenson et al., 2014); In silico analysis supports that this missense variant has a deleterious effect on protein structure/function; Has not been previously published as pathogenic or benign to our knowledge